The following is an entry in ClinVar:

NM_006996.3(SLC19A2):c.196G>T (p.Glu66Ter)

Gene: SLC19A2 (solute carrier family 19 member 2; minus strand). Cytogenetic location: 1q24.2.
Variant type: single nucleotide variant.
Coding change: c.196G>T on transcript NM_006996.3 (MANE Select); coding-DNA position 196, G replaced by T.
Protein change: p.Glu66Ter; replaces glutamic acid 66 with a stop codon.
Molecular consequence: nonsense.
Genome position (GRCh38, 1-based): chr1:169,485,571, C>A on the plus strand (G>T on the coding strand, the complement: SLC19A2 is on the minus strand). VCF-style: chr1-169485571-C-A. GRCh37 (hg19) VCF-style: chr1-169454809-C-A.
Other names: c.196G>T, p.Glu66Ter (NM_001319667.1); short protein forms E66*.
Identifiers: ClinVar variation 2202880 (VCV002202880.7), dbSNP rs1658539563, ClinGen allele CA343112084.
Genomic context (GRCh38, chr1:169,485,571, plus strand): 5'-ACCCGCAGGCCGGTCGCCCGCCCTTCCCGCGCCCCGCGTCCGCCGCGCGTACCTCCCTCT[C>A]GGTCAGGTTCTTGTCCGGCCCCAGCAGGTACGGGGTCAGGAAGGGCTCGGACGGCCTGAG-3'

ClinVar aggregate classification (germline): Pathogenic. Review status: criteria provided, multiple submitters, no conflicts (2 of 4 stars). 3 submissions from 3 submitters: Pathogenic (3). Last evaluated 2025-03-04.

Conditions:
Sensorineural hearing loss disorder. Also called: Sensorineural Deafness; Sensorineural hearing loss; Sensorineural hearing impairment. Identifiers: MedGen C0018784, MeSH D006319, MONDO:0020678, HP:0000407.

gnomAD v4.1: 1 of 1,585,702 alleles (0.000063%); highest among the groups gnomAD compares: South Asian, 0.0011%; no homozygotes.

Submissions (3):

Center for Genomic Medicine, Rigshospitalet, Copenhagen University Hospital
Classification: Pathogenic. Last evaluated: 2025-03-04. Review status: criteria provided, single submitter. Criteria: ACMG Guidelines, 2015. Collection method: clinical testing. Allele origin: germline.

Laboratory of Dr. Barbara Vona, University Medical Center Göttingen
Classification: Pathogenic for Sensorineural hearing loss disorder. Last evaluated: 2024-12-20. Review status: criteria provided, single submitter. Criteria: ClinGen HL ACMG Specifications v1. Collection method: clinical testing. Allele origin: germline. Affected: yes.

Labcorp Genetics (formerly Invitae), Labcorp
Classification: Pathogenic. Last evaluated: 2024-03-20. Review status: criteria provided, single submitter. Criteria: Invitae Variant Classification Sherloc (09022015). Collection method: clinical testing. Allele origin: germline.
Comment: This sequence change creates a premature translational stop signal (p.Glu66*) in the SLC19A2 gene. It is expected to result in an absent or disrupted protein product. Loss-of-function variants in SLC19A2 are known to be pathogenic (PMID: 10391221, 10391223, 10874303). This variant is not present in population databases (gnomAD no frequency). This premature translational stop signal has been observed in individual(s) with thiamine responsive megaloblastic anemia (PMID: 10874303). It has also been observed to segregate with disease in related individuals. This variant is also known as E65X. ClinVar contains an entry for this variant (Variation ID: 2202880). For these reasons, this variant has been classified as Pathogenic.

Literature cited by the submitters: PubMed 10874303 (cited by Center for Genomic Medicine, Rigshospitalet, Copenhagen University Hospital and Labcorp Genetics (formerly Invitae), Labcorp); PubMed 17659067 (cited by Center for Genomic Medicine, Rigshospitalet, Copenhagen University Hospital); PubMed 40377830 (cited by Laboratory of Dr. Barbara Vona, University Medical Center Göttingen); PubMed 10391221 (cited by Labcorp Genetics (formerly Invitae), Labcorp); PubMed 10391223 (cited by Labcorp Genetics (formerly Invitae), Labcorp).